The following is an entry in ClinVar:

ClinVar aggregate classification (germline): Likely benign (0 of 4 stars; one submission).

Conditions:
STXBP5-related disorder. Also called: STXBP5-related condition.

Allele frequency attached by ClinVar (database versions not stated): gnomAD 0.00004; 1000 Genomes Project 30x 0.00016; 1000 Genomes Project 0.00020.
gnomAD v4.1: 12 of 1,613,750 alleles (0.00074%); highest among the groups gnomAD compares: African/African-American, 0.016%; no homozygotes.

Submission:

PreventionGenetics, part of Exact Sciences
Classification: Likely benign for STXBP5-related condition. Last evaluated: 2023-04-25. Review status: no assertion criteria provided. Collection method: clinical testing. Allele origin: germline.
Comment: This variant is classified as likely benign based on ACMG/AMP sequence variant interpretation guidelines (Richards et al. 2015 PMID: 25741868, with internal and published modifications).

NM_001127715.4(STXBP5):c.1575C>G (p.Val525=)

Gene: STXBP5 (syntaxin binding protein 5; plus strand). Cytogenetic location: 6q24.3.
Variant type: single nucleotide variant.
Coding change: c.1575C>G on transcript NM_001127715.4 (MANE Select); coding-DNA position 1575, C replaced by G.
Protein change: p.Val525=; no amino-acid change (valine 525 retained).
Molecular consequence: synonymous variant.
Genome position (GRCh38, 1-based): chr6:147,315,687, C>G. VCF-style: chr6-147315687-C-G. GRCh37 (hg19) VCF-style: chr6-147636823-C-G.
Other names: c.1575C>G, p.Val525= (NM_001394409.1, NM_139244.6).
Identifiers: ClinVar variation 3059611 (VCV003059611.2), dbSNP rs550200980, ClinGen allele CA4039042.